The following is an entry in ClinVar:

ClinVar aggregate classification (germline): Uncertain significance. Review status: criteria provided, multiple submitters, no conflicts (2 of 4 stars). 3 submissions from 3 submitters: Uncertain significance (3). Last evaluated 2026-03-31.

Conditions:
Inborn genetic diseases. Identifiers: MedGen C0950123, MeSH D030342.

gnomAD v4.1: 3 of 1,614,008 alleles (0.00019%); highest among the groups gnomAD compares: African/African-American, 0.004%; no homozygotes.

Submissions (3):

Ambry Genetics
Classification: Uncertain significance for Inborn genetic diseases. Last evaluated: 2026-03-31. Review status: criteria provided, single submitter. Criteria: Ambry Variant Classification Scheme 2023. Collection method: clinical testing. Allele origin: germline.
Comment: The c.2302G>C (p.E768Q) alteration is located in exon 17 (coding exon 17) of the CACNA1S gene. This alteration results from a G to C substitution at nucleotide position 2302, causing the glutamic acid (E) at amino acid position 768 to be replaced by a glutamine (Q). Based on data from gnomAD, the C allele has an overall frequency of 0.003% (1/31382) total alleles studied. The highest observed frequency was 0.012% (1/8710) of African alleles. Based on insufficient or conflicting evidence, the clinical significance of this alteration remains unclear.

GeneDx
Classification: Uncertain significance. Last evaluated: 2025-08-11. Review status: criteria provided, single submitter. Criteria: GeneDx Variant Classification Process June 2021. Collection method: clinical testing. Allele origin: germline. Affected: yes.
Comment: In silico analysis supports that this missense variant has a deleterious effect on protein structure/function; Has not been previously published as pathogenic or benign to our knowledge

Revvity Omics, Revvity
Classification: Uncertain significance. Last evaluated: 2024-03-14. Review status: criteria provided, single submitter. Criteria: ACMG Guidelines, 2015. Collection method: clinical testing. Allele origin: germline.

NM_000069.3(CACNA1S):c.2302G>C (p.Glu768Gln)

Gene: CACNA1S (calcium voltage-gated channel subunit alpha1 S; minus strand). Cytogenetic location: 1q32.1.
Variant type: single nucleotide variant.
Coding change: c.2302G>C on transcript NM_000069.3 (MANE Select); coding-DNA position 2302, G replaced by C.
Protein change: p.Glu768Gln; replaces glutamic acid 768 with glutamine.
Molecular consequence: missense variant.
Genome position (GRCh38, 1-based): chr1:201,070,330, C>G on the plus strand (G>C on the coding strand, the complement: CACNA1S is on the minus strand). VCF-style: chr1-201070330-C-G. GRCh37 (hg19) VCF-style: chr1-201039458-C-G.
Other names: c.2302G>C (NM_000069.2); short protein forms E768Q.
Identifiers: ClinVar variation 4078167 (VCV004078167.3).